The following is an entry in ClinVar:

NM_058216.3(RAD51C):c.904G>C (p.Gly302Arg)

Gene: RAD51C (RAD51 paralog C; plus strand). Cytogenetic location: 17q22.
Variant type: single nucleotide variant.
Coding change: c.904G>C on transcript NM_058216.3 (MANE Select); coding-DNA position 904, G replaced by C.
Protein change: p.Gly302Arg; replaces glycine 302 with arginine.
Molecular consequence: missense variant. On other transcripts: non-coding transcript variant (1).
Genome position (GRCh38, 1-based): chr17:58,720,812, G>C. VCF-style: chr17-58720812-G-C. GRCh37 (hg19) VCF-style: chr17-56798173-G-C.
Other names: short protein forms G302R.
Identifiers: ClinVar variation 822945 (VCV000822945.5), dbSNP rs1555602158, ClinGen allele CA400359834.
Genomic context (GRCh38, chr17:58,720,812, plus strand): 5'-TTAACCAATCAGATGACAACAAAGATTGATAGAAATCAGGCCTTGCTTGTTCCTGCATTA[G>C]GTGGGTAATTAATCAGATAAACATTTTAGTTTATCACAGTTTTTCTTATCTCTTTCATTT-3'
Protein context (NP_478123.1, residues 292-312): RNQALLVPAL[Gly302Arg]ESWGHAATIR

ClinVar aggregate classification (germline): Likely pathogenic (1 of 4 stars; one submission).

Conditions:
Hereditary cancer-predisposing syndrome. Also called: Tumor predisposition; Hereditary Cancer Syndrome; Neoplastic Syndromes, Hereditary; Hereditary neoplastic syndrome. Identifiers: Orphanet 140162, MedGen C0027672, MeSH D009386, MONDO:0015356.

Submission:

Ambry Genetics
Classification: Likely pathogenic for Hereditary cancer-predisposing syndrome. Last evaluated: 2025-09-05. Review status: criteria provided, single submitter. Criteria: Ambry Variant Classification Scheme 2023. Collection method: clinical testing. Allele origin: germline.
Comment: The c.904G>C variant (also known as p.G302R), located in coding exon 6 of the RAD51C gene, results from a G to C substitution at nucleotide position 904. The amino acid change results in glycine to arginine at codon 302, an amino acid with dissimilar properties. However, this change occurs in the last base pair of coding exon 6, which makes it likely to have some effect on normal mRNA splicing. This nucleotide position is highly conserved in available vertebrate species. In silico splice site analysis predicts that this alteration will weaken the native splice donor site and will result in the creation or strengthening of a novel splice donor site. In a homology-directed DNA repair (HDR) assay, this alteration showed a functionally abnormal read-out (Olvera-Le&oacute;n R et al Cell 2024 Oct;187(20):5719-5734.e19). This variant is considered to be rare based on population cohorts in the Genome Aggregation Database (gnomAD). In addition, this alteration is predicted to be deleterious by in silico analysis. Based on the majority of available evidence to date, this variant is likely to be pathogenic.